The following is an entry in ClinVar:

ClinVar aggregate classification (germline): Uncertain significance. Review status: criteria provided, multiple submitters, no conflicts (2 of 4 stars). 2 submissions from 2 submitters: Uncertain significance (2). Last evaluated 2025-08-05.

Conditions:
Inborn genetic diseases. Identifiers: MedGen C0950123, MeSH D030342.
Lymphoproliferative syndrome 2 (LPFS2). Also called: CD27 DEFICIENCY; Combined immunodeficiency due to CD27 deficiency. Identifiers: Orphanet 238505, MedGen C3554540, MONDO:0014054, OMIM 615122.

Allele frequency attached by ClinVar (database versions not stated): gnomAD exomes below 0.00001; gnomAD 0.00004; TOPMed 0.00004.

Submissions (2):

Ambry Genetics
Classification: Uncertain significance for Inborn genetic diseases. Last evaluated: 2025-08-05. Review status: criteria provided, single submitter. Criteria: Ambry Variant Classification Scheme 2023. Collection method: clinical testing. Allele origin: germline.

Labcorp Genetics (formerly Invitae), Labcorp
Classification: Uncertain significance for Lymphoproliferative syndrome 2. Last evaluated: 2022-07-09. Review status: criteria provided, single submitter. Criteria: Invitae Variant Classification Sherloc (09022015). Collection method: clinical testing. Allele origin: germline.
Comment: This sequence change replaces proline, which is neutral and non-polar, with leucine, which is neutral and non-polar, at codon 225 of the CD27 protein (p.Pro225Leu). This variant is present in population databases (no rsID available, gnomAD 0.01%). This variant has not been reported in the literature in individuals affected with CD27-related conditions. Algorithms developed to predict the effect of missense changes on protein structure and function are either unavailable or do not agree on the potential impact of this missense change (SIFT: "Deleterious"; PolyPhen-2: "Benign"; Align-GVGD: "Class C0"). In summary, the available evidence is currently insufficient to determine the role of this variant in disease. Therefore, it has been classified as a Variant of Uncertain Significance.

NM_001242.5(CD27):c.674C>T (p.Pro225Leu)

Genes: CD27 (CD27 molecule; plus strand), CD27-AS1 (CD27 antisense RNA 1; minus strand), LOC130007243 (ATAC-STARR-seq lymphoblastoid active region 5860; plus strand). Cytogenetic location: 12p13.31.
Variant type: single nucleotide variant.
Coding change: c.674C>T on transcript NM_001242.5 (MANE Select); coding-DNA position 674, C replaced by T.
Protein change: p.Pro225Leu; replaces proline 225 with leucine.
Molecular consequence: missense variant. On other transcripts: non-coding transcript variant (1).
Genome position (GRCh38, 1-based): chr12:6,451,283, C>T. VCF-style: chr12-6451283-C-T. GRCh37 (hg19) VCF-style: chr12-6560449-C-T.
Other names: c.767C>T, p.Pro256Leu (NM_001413263.1); c.647C>T, p.Pro216Leu (NM_001413264.1); c.494C>T, p.Pro165Leu (NM_001413265.1); c.224C>T, p.Pro75Leu (NM_001413266.1, NM_001413267.1, NM_001413268.1); short protein forms P216L, P256L, P75L, P165L, P225L.
Identifiers: ClinVar variation 2163072 (VCV002163072.2), dbSNP rs867460923, ClinGen allele CA232322992.
Genomic context (GRCh38, chr12:6,451,283, plus strand): 5'-CCTGCCCCCACTGCTGGCCAAGACTCATCGGATCTCCTTCTGCAGACAAAGGAGAAAGTC[C>T]TGTGGAGCCTGCAGAGCCTTGTCATTACAGCTGCCCCAGGGAGGAGGAGGGCAGCACCAT-3'
Protein context (NP_001233.2, residues 215-235): RKYRSNKGES[Pro225Leu]VEPAEPCHYS